The following is an entry in ClinVar:

NM_177438.3(DICER1):c.5238A>G (p.Ala1746=)

Gene: DICER1 (dicer 1, ribonuclease III; minus strand). Cytogenetic location: 14q32.13.
Variant type: single nucleotide variant.
Coding change: c.5238A>G on transcript NM_177438.3 (MANE Select); coding-DNA position 5238, A replaced by G.
Protein change: p.Ala1746=; no amino-acid change (alanine 1746 retained).
Molecular consequence: synonymous variant.
Genome position (GRCh38, 1-based): chr14:95,094,014, T>C on the plus strand (A>G on the coding strand, the complement: DICER1 is on the minus strand). VCF-style: chr14-95094014-T-C. GRCh37 (hg19) VCF-style: chr14-95560351-T-C.
Other names: c.5238A>G, p.Ala1746= (NM_001195573.1, NM_001271282.3, NM_001291628.2 and 1 more transcripts).
Identifiers: ClinVar variation 477249 (VCV000477249.15), dbSNP rs1432708141, ClinGen allele CA487843856.

ClinVar aggregate classification (germline): Benign/Likely benign. Review status: criteria provided, multiple submitters, no conflicts (2 of 4 stars). 5 submissions from 5 submitters: Benign (1); Likely benign (4). Last evaluated 2026-04-20.

Conditions:
DICER1-related disorder. Also called: DICER1-related condition.
DICER1-related tumor predisposition. Also called: DICER1 syndrome; DICER1-related pleuropulmonary blastoma cancer predisposition syndrome. Identifiers: Orphanet 284343, MedGen C3839822, MONDO:0100216.
Hereditary cancer-predisposing syndrome. Also called: Neoplastic Syndromes, Hereditary; Hereditary Cancer Syndrome; Tumor predisposition; Hereditary neoplastic syndrome. Identifiers: Orphanet 140162, MedGen C0027672, MeSH D009386, MONDO:0015356.

Allele frequency attached by ClinVar (database versions not stated): gnomAD exomes 0.00001.
gnomAD v4.1: 5 of 1,614,138 alleles (0.00031%); highest among the groups gnomAD compares: South Asian, 0.0033%; 1 homozygote.

Submissions (5):

Myriad Genetics, Inc.
Classification: Benign for DICER1-related tumor predisposition. Last evaluated: 2026-04-20. Review status: criteria provided, single submitter. Criteria: Myriad Autosomal Dominant, Autosomal Recessive and X-Linked Classification Criteria (2023). Collection method: clinical testing. Allele origin: unknown.
Comment: This variant is considered benign. This variant is a silent/synonymous amino acid change and it is not expected to impact splicing.

Labcorp Genetics (formerly Invitae), Labcorp
Classification: Likely benign for DICER1-related tumor predisposition. Last evaluated: 2026-01-11. Review status: criteria provided, single submitter. Criteria: Invitae Variant Classification Sherloc (09022015). Collection method: clinical testing. Allele origin: germline.

PreventionGenetics, part of Exact Sciences
Classification: Likely benign for DICER1-related condition. Last evaluated: 2025-07-07. Review status: criteria provided, single submitter. Criteria: ACMG Guidelines, 2015. Collection method: clinical testing. Allele origin: germline.
Comment: This variant is classified as likely benign based on ACMG/AMP sequence variant interpretation guidelines (Richards et al. 2015 PMID: 25741868, with internal and published modifications).

Ambry Genetics
Classification: Likely benign for Hereditary cancer-predisposing syndrome. Last evaluated: 2023-04-30. Review status: criteria provided, single submitter. Criteria: Ambry Variant Classification Scheme 2023. Collection method: clinical testing. Allele origin: germline.

Sema4
Classification: Likely benign for Hereditary cancer-predisposing syndrome. Last evaluated: 2021-10-25. Review status: criteria provided, single submitter. Criteria: Sema4 Curation Guidelines. Collection method: curation. Allele origin: germline.